The following is an entry in ClinVar:

ClinVar aggregate classification (germline): Uncertain significance (1 of 4 stars; one submission).

Submission:

Labcorp Genetics (formerly Invitae), Labcorp
Classification: Uncertain significance. Last evaluated: 2024-04-03. Review status: criteria provided, single submitter. Criteria: Invitae Variant Classification Sherloc (09022015). Collection method: clinical testing. Allele origin: germline.
Comment: This sequence change replaces aspartic acid, which is acidic and polar, with valine, which is neutral and non-polar, at codon 111 of the HNF1A protein (p.Asp111Val). This variant is not present in population databases (gnomAD no frequency). This variant has not been reported in the literature in individuals affected with HNF1A-related conditions. Advanced modeling of protein sequence and biophysical properties (such as structural, functional, and spatial information, amino acid conservation, physicochemical variation, residue mobility, and thermodynamic stability) has been performed at Invitae for this missense variant, however the output from this modeling did not meet the statistical confidence thresholds required to predict the impact of this variant on HNF1A protein function. In summary, the available evidence is currently insufficient to determine the role of this variant in disease. Therefore, it has been classified as a Variant of Uncertain Significance.

NM_000545.8(HNF1A):c.332A>T (p.Asp111Val)

Gene: HNF1A (HNF1 homeobox A; plus strand). Cytogenetic location: 12q24.31.
Variant type: single nucleotide variant.
Coding change: c.332A>T on transcript NM_000545.8 (MANE Select); coding-DNA position 332, A replaced by T.
Protein change: p.Asp111Val; replaces aspartic acid 111 with valine.
Molecular consequence: missense variant.
Genome position (GRCh38, 1-based): chr12:120,988,838, A>T. VCF-style: chr12-120988838-A-T. GRCh37 (hg19) VCF-style: chr12-121426641-A-T.
Other names: c.332A>T, p.Asp111Val (NM_001306179.2, NM_001406915.1); short protein forms D111V.
Identifiers: ClinVar variation 3648611 (VCV003648611.2).